The following is an entry in ClinVar:

ClinVar aggregate classification (germline): Uncertain significance (1 of 4 stars; one submission).

Submission:

GeneDx
Classification: Uncertain significance. Last evaluated: 2025-08-14. Review status: criteria provided, single submitter. Criteria: GeneDx Variant Classification Process June 2021. Collection method: clinical testing. Allele origin: germline. Affected: yes.
Comment: Not observed at significant frequency in large population cohorts (gnomAD); Nonsense variant predicted to result in protein truncation as the last 38 amino acid(s) are lost; Has not been previously published as pathogenic or benign to our knowledge

NM_012479.4(YWHAG):c.623_626dup (p.Asp209_Thr210insTer)

Gene: YWHAG (tyrosine 3-monooxygenase/tryptophan 5-monooxygenase activation protein gamma; minus strand). Cytogenetic location: 7q11.23.
Variant type: Duplication.
Coding change: c.623_626dup on transcript NM_012479.4 (MANE Select); coding-DNA positions 623 to 626, 4 bases duplicated (TTGA; older notation c.623_626dupTTGA).
Protein change: p.Asp209_Thr210insTer.
Molecular consequence: nonsense.
Genome position (GRCh38, 1-based): chr7:76,329,695-76,329,698, TCAA duplicated on the plus strand (TTGA on the coding strand, the reverse complement: YWHAG is on the minus strand). VCF-style (leftmost placement, unchanged base first): chr7-76329694-G-GTCAA. GRCh37 (hg19) VCF-style: chr7-75959011-G-GTCAA.
Identifiers: ClinVar variation 4795438 (VCV004795438.1).